The following is an entry in ClinVar:

ClinVar aggregate classification (germline): Uncertain significance (1 of 4 stars; one submission).

Conditions:
Ehlers-Danlos syndrome, classic type, 1 (EDSCL1). Also called: EHLERS-DANLOS SYNDROME, GRAVIS TYPE; EHLERS-DANLOS SYNDROME, SEVERE CLASSIC TYPE; Ehlers-Danlos syndrome, type 1; Ehlers-Danlos Syndrome, Classic Type, COL5A1-Related; EDS I. Identifiers: MedGen C0268335, MONDO:0019567, OMIM 130000.

gnomAD v4.1: 1 of 1,611,620 alleles (0.000062%); no homozygotes.

Submission:

Labcorp Genetics (formerly Invitae), Labcorp
Classification: Uncertain significance for Ehlers-Danlos syndrome, classic type, 1. Last evaluated: 2023-09-21. Review status: criteria provided, single submitter. Criteria: Invitae Variant Classification Sherloc (09022015). Collection method: clinical testing. Allele origin: germline.
Comment: In summary, the available evidence is currently insufficient to determine the role of this variant in disease. Therefore, it has been classified as a Variant of Uncertain Significance. Variants that disrupt the consensus splice site are a relatively common cause of aberrant splicing (PMID: 17576681, 9536098). Algorithms developed to predict the effect of sequence changes on RNA splicing suggest that this variant may disrupt the consensus splice site. This sequence change falls in intron 8 of the COL5A2 gene. It does not directly change the encoded amino acid sequence of the COL5A2 protein. It affects a nucleotide within the consensus splice site. This variant is not present in population databases (gnomAD no frequency). This variant has not been reported in the literature in individuals affected with COL5A2-related conditions.

Literature cited by the submitters: PubMed 17576681; PubMed 9536098.

NM_000393.5(COL5A2):c.645+5G>A

Gene: COL5A2 (collagen type V alpha 2 chain; minus strand). Cytogenetic location: 2q32.2.
Variant type: single nucleotide variant.
Coding change: c.645+5G>A on transcript NM_000393.5 (MANE Select); 5 bases into the intron after coding-DNA position 645, G replaced by A.
Molecular consequence: intron variant.
Genome position (GRCh38, 1-based): chr2:189,088,690, C>T on the plus strand (G>A on the coding strand, the complement: COL5A2 is on the minus strand). VCF-style: chr2-189088690-C-T. GRCh37 (hg19) VCF-style: chr2-189953416-C-T.
Identifiers: ClinVar variation 2728644 (VCV002728644.3), dbSNP rs2469366129, ClinGen allele CA2662319708.